The following is an entry in ClinVar:

ClinVar aggregate classification (germline): Benign. Review status: criteria provided, multiple submitters, no conflicts (2 of 4 stars). 2 submissions from 2 submitters: Benign (2). Last evaluated 2016-03-29.

Allele frequency attached by ClinVar (database versions not stated): gnomAD exomes 0.07417 and 0.08254; ExAC 0.07644; gnomAD 0.10065 and 0.10623; TOPMed 0.10614; ESP Exome Variant Server 0.11272.
gnomAD v4.1: 135,796 of 1,614,076 alleles (8.4%); highest among the groups gnomAD compares: African/African-American, 16%; 6,264 homozygotes.

Submissions (2):

Laboratory for Molecular Medicine, Mass General Brigham Personalized Medicine
Classification: Benign. Last evaluated: 2016-03-29. Review status: criteria provided, single submitter. Criteria: LMM Criteria. Collection method: clinical testing. Allele origin: germline.
Comment: Variant identified in a genome or exome case(s) and assessed due to predicted null impact of the variant or pathogenic assertions in the literature or databases. Disclaimer: This variant has not undergone full assessment. The following are preliminary notes: Frequency

Breakthrough Genomics
Classification: Benign. Review status: criteria provided, single submitter. Criteria: ACMG Guidelines, 2015. Collection method: not provided. Allele origin: germline. Inheritance: Unknown mechanism. Affected: yes.

NM_052934.4(SLC26A9):c.*423A>G

Gene: SLC26A9 (solute carrier family 26 member 9; minus strand). Cytogenetic location: 1q32.1.
Variant type: single nucleotide variant.
Coding change: c.*423A>G on transcript NM_052934.4 (MANE Select); 423 bases downstream of the stop codon, A replaced by G.
Molecular consequence: 3 prime UTR variant. On other transcripts: synonymous variant (1).
Genome position (GRCh38, 1-based): chr1:205,914,934, T>C on the plus strand (A>G on the coding strand, the complement: SLC26A9 is on the minus strand). VCF-style: chr1-205914934-T-C. GRCh37 (hg19) VCF-style: chr1-205884062-T-C.
Other names: c.2622A>G, p.Pro874= (NM_134325.3).
Identifiers: ClinVar variation 403450 (VCV000403450.5), dbSNP rs9438438, ClinGen allele CA1358080.
Genomic context (GRCh38, chr1:205,914,934, plus strand): 5'-TCCTAACCAAGTTTATCCCTATGTCCGTGACAGCCTGACACCATCTGACACCGAGCCGTG[T>C]GGGCTCTGGGACACTTTTTGAAGCTTGTACAGCAGGCCAGCACAGTTGTACTTGTCCTTC-3'